The following is an entry in ClinVar:

ClinVar aggregate classification (germline): Likely benign (1 of 4 stars; one submission).

Conditions:
RAI1-related disorder. Also called: RAI1-related condition.

Submission:

PreventionGenetics, part of Exact Sciences
Classification: Likely benign for RAI1-related condition. Last evaluated: 2025-10-09. Review status: criteria provided, single submitter. Criteria: ACMG Guidelines, 2015. Collection method: clinical testing. Allele origin: germline.
Comment: This variant is classified as likely benign based on ACMG/AMP sequence variant interpretation guidelines (Richards et al. 2015 PMID: 25741868, with internal and published modifications).

NM_030665.4(RAI1):c.5430G>A (p.Glu1810=)

Gene: RAI1 (retinoic acid induced 1; plus strand). Cytogenetic location: 17p11.2.
Variant type: single nucleotide variant.
Coding change: c.5430G>A on transcript NM_030665.4 (MANE Select); coding-DNA position 5430, G replaced by A.
Protein change: p.Glu1810=; no amino-acid change (glutamic acid 1810 retained).
Molecular consequence: synonymous variant.
Genome position (GRCh38, 1-based): chr17:17,798,378, G>A. VCF-style: chr17-17798378-G-A. GRCh37 (hg19) VCF-style: chr17-17701692-G-A.
Identifiers: ClinVar variation 4983690 (VCV004983690.1).